The following is an entry in ClinVar:

NM_144596.4(TTC8):c.1328G>A (p.Arg443Gln)

Gene: TTC8 (tetratricopeptide repeat domain 8; plus strand). Cytogenetic location: 14q31.3.
Variant type: single nucleotide variant.
Coding change: c.1328G>A on transcript NM_144596.4 (MANE Select); coding-DNA position 1328, G replaced by A.
Protein change: p.Arg443Gln; replaces arginine 443 with glutamine.
Molecular consequence: missense variant. On other transcripts: non-coding transcript variant (1).
Genome position (GRCh38, 1-based): chr14:88,872,433, G>A. VCF-style: chr14-88872433-G-A. GRCh37 (hg19) VCF-style: chr14-89338777-G-A.
Other names: c.1298G>A (NM_198309.2); c.1328G>A (NM_144596.3); c.1376G>A, p.Arg459Gln (NM_001288781.1); c.734G>A, p.Arg245Gln (NM_001288782.1); c.611G>A, p.Arg204Gln (NM_001288783.1); c.1298G>A, p.Arg433Gln (NM_001366535.2, NM_198309.3); c.1208G>A, p.Arg403Gln (NM_001366536.2, NM_198310.3); short protein forms R245Q, R459Q, R204Q, R403Q, R433Q, R443Q.
Identifiers: ClinVar variation 696940 (VCV000696940.12), dbSNP rs746920262, ClinGen allele CA7302714.

ClinVar aggregate classification (germline): Conflicting classifications of pathogenicity. Review status: criteria provided, conflicting classifications (1 of 4 stars). 4 submissions from 4 submitters: Uncertain significance (2); Likely benign (2). Last evaluated 2026-06-24.

Conditions:
TTC8-related disorder. Also called: TTC8-related condition.
Inborn genetic diseases. Identifiers: MedGen C0950123, MeSH D030342.
Bardet-Biedl syndrome (BBS). Identifiers: Orphanet 110, MedGen C0752166, MONDO:0015229.

Allele frequency attached by ClinVar (database versions not stated): gnomAD 0.00003; TOPMed 0.00003; gnomAD exomes 0.00004 and 0.00008; ExAC 0.00009.
gnomAD v4.1: 68 of 1,613,786 alleles (0.0042%); highest among the groups gnomAD compares: South Asian, 0.047%; 1 homozygote.

Submissions (4):

PreventionGenetics, part of Exact Sciences
Classification: Uncertain significance for TTC8-related condition. Last evaluated: 2026-06-24. Review status: criteria provided, single submitter. Criteria: ACMG Guidelines, 2015. Collection method: clinical testing. Allele origin: germline.
Comment: The TTC8 c.1328G>A variant is predicted to result in the amino acid substitution p.Arg443Gln. To our knowledge, this variant has not been reported in the literature. This variant is reported in 0.049% of alleles in individuals of South Asian descent in gnomAD. At this time, the clinical significance of this variant is uncertain due to the absence of conclusive functional and genetic evidence.

Labcorp Genetics (formerly Invitae), Labcorp
Classification: Likely benign for Bardet-Biedl syndrome. Last evaluated: 2025-09-24. Review status: criteria provided, single submitter. Criteria: Invitae Variant Classification Sherloc (09022015). Collection method: clinical testing. Allele origin: germline.

Blueprint Genetics
Classification: Likely benign. Last evaluated: 2024-09-10. Review status: criteria provided, single submitter. Criteria: ACMG Guidelines, 2015. Collection method: clinical testing. Allele origin: germline.

Ambry Genetics
Classification: Uncertain significance for Inborn genetic diseases. Last evaluated: 2023-02-27. Review status: criteria provided, single submitter. Criteria: Ambry Variant Classification Scheme 2023. Collection method: clinical testing. Allele origin: germline.